The following is an entry in ClinVar:

NM_016134.4(CPQ):c.1dup (p.Met1fs)

Gene: CPQ (carboxypeptidase Q; plus strand). Cytogenetic location: 8q22.1.
Variant type: Duplication.
Coding change: c.1dup on transcript NM_016134.4 (MANE Select); coding-DNA position 1, one base duplicated (A; older notation c.1dupA).
Protein change: p.Met1fs; shifts the reading frame from methionine 1.
Molecular consequence: frameshift variant, initiator codon variant.
Genome position (GRCh38, 1-based): chr8:96,784,898, A duplicated; the last of 9 consecutive A bases (chr8:96,784,890-96,784,898); duplicating any one gives the same sequence. VCF-style (leftmost placement, unchanged base first): chr8-96784889-G-GA. GRCh37 (hg19) VCF-style: chr8-97797117-G-GA.
Other names: short protein forms M1fs.
Identifiers: ClinVar variation 422436 (VCV000422436.2), dbSNP rs201719687, ClinGen allele CA4817107.

ClinVar aggregate classification (germline): Likely benign (1 of 4 stars; one submission).

Submission:

GeneDx
Classification: Likely benign. Last evaluated: 2016-10-27. Review status: criteria provided, single submitter. Criteria: GeneDx Variant Classification (06012015). Collection method: clinical testing. Allele origin: germline. Affected: yes.
Comment: This variant is considered likely benign or benign based on one or more of the following criteria: it is a conservative change, it occurs at a poorly conserved position in the protein, it is predicted to be benign by multiple in silico algorithms, and/or has population frequency not consistent with disease.